The following is an entry in ClinVar:

NM_000396.4(CTSK):c.140G>A (p.Arg47His)

Gene: CTSK (cathepsin K; minus strand). Cytogenetic location: 1q21.3.
Variant type: single nucleotide variant.
Coding change: c.140G>A on transcript NM_000396.4 (MANE Select); coding-DNA position 140, G replaced by A.
Protein change: p.Arg47His; replaces arginine 47 with histidine.
Molecular consequence: missense variant.
Genome position (GRCh38, 1-based): chr1:150,806,205, C>T on the plus strand (G>A on the coding strand, the complement: CTSK is on the minus strand). VCF-style: chr1-150806205-C-T. GRCh37 (hg19) VCF-style: chr1-150778681-C-T.
Other names: short protein forms R47H.
Identifiers: ClinVar variation 2144048 (VCV002144048.1), dbSNP rs199909074, ClinGen allele CA1080565.

ClinVar aggregate classification (germline): Uncertain significance (1 of 4 stars; one submission).

Allele frequency attached by ClinVar (database versions not stated): gnomAD exomes 0.00002; TOPMed 0.00003; gnomAD 0.00004; ExAC 0.00005; 1000 Genomes Project 30x 0.00016; 1000 Genomes Project 0.00020.
gnomAD v4.1: 41 of 1,613,964 alleles (0.0025%); highest among the groups gnomAD compares: Admixed American, 0.023%; no homozygotes.

Submission:

Labcorp Genetics (formerly Invitae), Labcorp
Classification: Uncertain significance. Last evaluated: 2022-08-21. Review status: criteria provided, single submitter. Criteria: Invitae Variant Classification Sherloc (09022015). Collection method: clinical testing. Allele origin: germline.
Comment: This sequence change replaces arginine, which is basic and polar, with histidine, which is basic and polar, at codon 47 of the CTSK protein (p.Arg47His). This variant is present in population databases (rs199909074, gnomAD 0.03%). This variant has not been reported in the literature in individuals affected with CTSK-related conditions. Advanced modeling of protein sequence and biophysical properties (such as structural, functional, and spatial information, amino acid conservation, physicochemical variation, residue mobility, and thermodynamic stability) performed at Invitae indicates that this missense variant is expected to disrupt CTSK protein function. Algorithms developed to predict the effect of sequence changes on RNA splicing suggest that this variant may disrupt the consensus splice site. In summary, the available evidence is currently insufficient to determine the role of this variant in disease. Therefore, it has been classified as a Variant of Uncertain Significance.